The following is an entry in ClinVar:

ClinVar aggregate classification (germline): Uncertain significance (1 of 4 stars; one submission).

Conditions:
Nephronophthisis. Also called: Juvenile Nephronophthisis. Identifiers: Orphanet 655, MedGen C0687120, MONDO:0019005, HP:0000090.

Submission:

Labcorp Genetics (formerly Invitae), Labcorp
Classification: Uncertain significance for Nephronophthisis. Last evaluated: 2024-01-17. Review status: criteria provided, single submitter. Criteria: Invitae Variant Classification Sherloc (09022015). Collection method: clinical testing. Allele origin: germline.
Comment: This sequence change replaces glutamic acid, which is acidic and polar, with lysine, which is basic and polar, at codon 291 of the IQCB1 protein (p.Glu291Lys). This variant is not present in population databases (gnomAD no frequency). This variant has not been reported in the literature in individuals affected with IQCB1-related conditions. ClinVar contains an entry for this variant (Variation ID: 1357901). Advanced modeling of protein sequence and biophysical properties (such as structural, functional, and spatial information, amino acid conservation, physicochemical variation, residue mobility, and thermodynamic stability) performed at Invitae indicates that this missense variant is not expected to disrupt IQCB1 protein function with a negative predictive value of 80%. In summary, the available evidence is currently insufficient to determine the role of this variant in disease. Therefore, it has been classified as a Variant of Uncertain Significance.

NM_001023570.4(IQCB1):c.871G>A (p.Glu291Lys)

Gene: IQCB1 (IQ motif containing B1; minus strand). Cytogenetic location: 3q13.33.
Variant type: single nucleotide variant.
Coding change: c.871G>A on transcript NM_001023570.4 (MANE Select); coding-DNA position 871, G replaced by A.
Protein change: p.Glu291Lys; replaces glutamic acid 291 with lysine.
Molecular consequence: missense variant. On other transcripts: non-coding transcript variant (1), intron variant (1).
Genome position (GRCh38, 1-based): chr3:121,797,123, C>T on the plus strand (G>A on the coding strand, the complement: IQCB1 is on the minus strand). VCF-style: chr3-121797123-C-T. GRCh37 (hg19) VCF-style: chr3-121515970-C-T.
Other names: c.871G>A, p.Glu291Lys (NM_001319107.2); c.588-6908G>A (NM_001023571.4); short protein forms E291K.
Identifiers: ClinVar variation 1357901 (VCV001357901.4), dbSNP rs1030791636, ClinGen allele CA82737995.
Genomic context (GRCh38, chr3:121,797,123, plus strand): 5'-AGGTTTAATATAGTCAGCAAATATCATGCAATTTTTTTTTTTTGTAACTTAATACCTGCT[C>T]TTCTACTTCCTGATAGACCATTGGGCTTAAAAGGCCAACAAGCTGTCTAAGTTCTTGACT-3'
Protein context (NP_001018864.2, residues 281-301): LSPMVYQEVE[Glu291Lys]QKLHQAACLI